The following is an entry in ClinVar:

ClinVar aggregate classification (germline): Uncertain significance (1 of 4 stars; one submission).

Submission:

Labcorp Genetics (formerly Invitae), Labcorp
Classification: Uncertain significance. Last evaluated: 2024-04-29. Review status: criteria provided, single submitter. Criteria: Invitae Variant Classification Sherloc (09022015). Collection method: clinical testing. Allele origin: germline.
Comment: This sequence change replaces lysine, which is basic and polar, with glutamic acid, which is acidic and polar, at codon 500 of the PPP2R5D protein (p.Lys500Glu). This variant is not present in population databases (gnomAD no frequency). This variant has not been reported in the literature in individuals affected with PPP2R5D-related conditions. An algorithm developed to predict the effect of missense changes on protein structure and function (PolyPhen-2) suggests that this variant is likely to be tolerated. In summary, the available evidence is currently insufficient to determine the role of this variant in disease. Therefore, it has been classified as a Variant of Uncertain Significance.

NM_006245.4(PPP2R5D):c.1498A>G (p.Lys500Glu)

Gene: PPP2R5D (protein phosphatase 2 regulatory subunit B'delta; plus strand). Cytogenetic location: 6p21.1.
Variant type: single nucleotide variant.
Coding change: c.1498A>G on transcript NM_006245.4 (MANE Select); coding-DNA position 1498, A replaced by G.
Protein change: p.Lys500Glu; replaces lysine 500 with glutamic acid.
Molecular consequence: missense variant.
Genome position (GRCh38, 1-based): chr6:43,010,680, A>G. VCF-style: chr6-43010680-A-G. GRCh37 (hg19) VCF-style: chr6-42978418-A-G.
Other names: c.1045A>G, p.Lys349Glu (NM_001270476.2); c.1402A>G, p.Lys468Glu (NM_180976.3); c.1180A>G, p.Lys394Glu (NM_180977.3); short protein forms K349E, K468E, K500E, K394E.
Identifiers: ClinVar variation 3651448 (VCV003651448.2).
Genomic context (GRCh38, chr6:43,010,680, plus strand): 5'-GTGTTTCTCTCAAGCCCAACCCCAATCCTACTTTTGCTCCTCAGGGGCCGGTTCCGAATG[A>G]AGGAAAGGGAAGAGATGTGGCAAAAAATCGAGGAGCTGGCCCGGCTTAATCCCCAGGTGA-3'
Protein context (NP_006236.1, residues 490-510): AEKQKGRFRM[Lys500Glu]EREEMWQKIE